The following is an entry in ClinVar:

ClinVar aggregate classification (germline): Likely pathogenic. Review status: criteria provided, multiple submitters, no conflicts (2 of 4 stars). 2 submissions from 2 submitters: Likely pathogenic (2). Last evaluated 2019-11-18.

Conditions:
Marfan syndrome (MFS). Also called: Marfan syndrome type 1; Marfan syndrome, classic; Marfan's syndrome; FBN1-Related Marfan Syndrome; MARFAN SYNDROME, TYPE I. Identifiers: Orphanet 284963, Orphanet 558, MedGen C0024796, MONDO:0007947, OMIM 154700.

Submissions (2):

Mayo Clinic Laboratories, Mayo Clinic
Classification: Likely pathogenic. Last evaluated: 2019-11-18. Review status: criteria provided, single submitter. Criteria: ACMG Guidelines, 2015. Collection method: clinical testing. Allele origin: germline. Observed: 1 variant allele.
Comment: PM1, PM2, PM5, PP2, PP3

Center for Human Genetics, Inc
Classification: Likely pathogenic for Marfan syndrome. Last evaluated: 2016-11-01. Review status: criteria provided, single submitter. Criteria: ACMG Guidelines, 2015. Collection method: clinical testing. Allele origin: germline. Affected: yes.

NM_000138.5(FBN1):c.4538G>A (p.Cys1513Tyr)

Gene: FBN1 (fibrillin 1; minus strand). Cytogenetic location: 15q21.1.
Variant type: single nucleotide variant.
Coding change: c.4538G>A on transcript NM_000138.5 (MANE Select); coding-DNA position 4538, G replaced by A.
Protein change: p.Cys1513Tyr; replaces cysteine 1513 with tyrosine.
Molecular consequence: missense variant.
Genome position (GRCh38, 1-based): chr15:48,468,456, C>T on the plus strand (G>A on the coding strand, the complement: FBN1 is on the minus strand). VCF-style: chr15-48468456-C-T. GRCh37 (hg19) VCF-style: chr15-48760653-C-T.
Other names: short protein forms C1513Y.
Identifiers: ClinVar variation 547322 (VCV000547322.6), dbSNP rs1555397204, ClinGen allele CA392353481.
Genomic context (GRCh38, chr15:48,468,456, plus strand): 5'-GTTTTTAAGGTCTTACCAACACAGCCAACTCGAGTTGGGTTCAGTTCAAAATCAGGTGGG[C>T]AGTCACAGATATAGCTGCCTGGAGTGTTGACACAGTTCCCACTGATGCACGTGGTTGGAT-3'
Protein context (NP_000129.3, residues 1503-1523): VNTPGSYICD[Cys1513Tyr]PPDFELNPTR